The following is an entry in ClinVar:

NM_001724.5(BPGM):c.182A>C (p.Asn61Thr)

Gene: BPGM (bisphosphoglycerate mutase; plus strand). Cytogenetic location: 7q33.
Variant type: single nucleotide variant.
Coding change: c.182A>C on transcript NM_001724.5 (MANE Select); coding-DNA position 182, A replaced by C.
Protein change: p.Asn61Thr; replaces asparagine 61 with threonine.
Molecular consequence: missense variant.
Genome position (GRCh38, 1-based): chr7:134,661,689, A>C. VCF-style: chr7-134661689-A-C. GRCh37 (hg19) VCF-style: chr7-134346441-A-C.
Other names: c.182A>C, p.Asn61Thr (NM_001293085.2, NM_199186.3); short protein forms N61T.
Identifiers: ClinVar variation 1399352 (VCV001399352.4), dbSNP rs138662242, ClinGen allele CA4494657.

ClinVar aggregate classification (germline): Uncertain significance (1 of 4 stars; one submission).

Allele frequency attached by ClinVar (database versions not stated): ESP Exome Variant Server 0.00023; 1000 Genomes Project 0.00080; 1000 Genomes Project 30x 0.00094.
gnomAD v4.1: 144 of 1,614,134 alleles (0.0089%); highest among the groups gnomAD compares: African/African-American, 0.18%; 1 homozygote.

Submission:

Labcorp Genetics (formerly Invitae), Labcorp
Classification: Uncertain significance. Last evaluated: 2021-09-25. Review status: criteria provided, single submitter. Criteria: Invitae Variant Classification Sherloc (09022015). Collection method: clinical testing. Allele origin: germline.
Comment: In summary, the available evidence is currently insufficient to determine the role of this variant in disease. Therefore, it has been classified as a Variant of Uncertain Significance. Algorithms developed to predict the effect of missense changes on protein structure and function (SIFT, PolyPhen-2, Align-GVGD) all suggest that this variant is likely to be tolerated. This variant has not been reported in the literature in individuals affected with BPGM-related conditions. This variant is present in population databases (rs138662242, ExAC 0.2%). This sequence change replaces asparagine with threonine at codon 61 of the BPGM protein (p.Asn61Thr). The asparagine residue is moderately conserved and there is a small physicochemical difference between asparagine and threonine.